The following is an entry in ClinVar:

NM_030958.3(SLCO5A1):c.1872T>A (p.Val624=)

Gene: SLCO5A1 (solute carrier organic anion transporter family member 5A1; minus strand). Cytogenetic location: 8q13.3.
Variant type: single nucleotide variant.
Coding change: c.1872T>A on transcript NM_030958.3 (MANE Select); coding-DNA position 1872, T replaced by A.
Protein change: p.Val624=; no amino-acid change (valine 624 retained).
Molecular consequence: synonymous variant.
Genome position (GRCh38, 1-based): chr8:69,679,530, A>T on the plus strand (T>A on the coding strand, the complement: SLCO5A1 is on the minus strand). VCF-style: chr8-69679530-A-T. GRCh37 (hg19) VCF-style: chr8-70591765-A-T.
Other names: c.1872T>A, p.Val624= (NM_001146008.2); c.1707T>A, p.Val569= (NM_001146009.1).
Identifiers: ClinVar variation 1930526 (VCV001930526.5), dbSNP rs1263709507, ClinGen allele CA461314884.

ClinVar aggregate classification (germline): Uncertain significance (1 of 4 stars; one submission).

Allele frequency attached by ClinVar (database versions not stated): gnomAD exomes below 0.00001.
gnomAD v4.1: 1 of 1,614,210 alleles (0.000062%); highest among the groups gnomAD compares: Non-Finnish European, 0.000085%; no homozygotes.

Submission:

Labcorp Genetics (formerly Invitae), Labcorp
Classification: Uncertain significance. Last evaluated: 2022-04-07. Review status: criteria provided, single submitter. Criteria: Invitae Variant Classification Sherloc (09022015). Collection method: clinical testing. Allele origin: germline.
Comment: In summary, the available evidence is currently insufficient to determine the role of this variant in disease. Therefore, it has been classified as a Variant of Uncertain Significance. Algorithms developed to predict the effect of sequence changes on RNA splicing suggest that this variant may create or strengthen a splice site. This variant has not been reported in the literature in individuals affected with SLCO5A1-related conditions. This variant is present in population databases (no rsID available, gnomAD 0.01%). This sequence change affects codon 624 of the SLCO5A1 mRNA. It is a 'silent' change, meaning that it does not change the encoded amino acid sequence of the SLCO5A1 protein.